The following is an entry in ClinVar:

ClinVar aggregate classification (germline): Uncertain significance (1 of 4 stars; one submission).

Conditions:
Congenital myasthenic syndrome 8. Also called: Myasthenic syndrome, congenital, 8, with pre- and postsynaptic defects; MYASTHENIC SYNDROME, CONGENITAL, DUE TO AGRIN DEFICIENCY. Identifiers: Orphanet 590, MedGen C3808739, MONDO:0014052, OMIM 615120.

Allele frequency attached by ClinVar (database versions not stated): gnomAD 0.00004 and 0.00005; gnomAD exomes 0.00009 and 0.00012; ExAC 0.00012; 1000 Genomes Project 30x 0.00016; 1000 Genomes Project 0.00020.
gnomAD v4.1: 132 of 1,612,772 alleles (0.0082%); highest among the groups gnomAD compares: Admixed American, 0.02%; no homozygotes.

Submission:

Labcorp Genetics (formerly Invitae), Labcorp
Classification: Uncertain significance for Congenital myasthenic syndrome 8. Last evaluated: 2024-01-05. Review status: criteria provided, single submitter. Criteria: Invitae Variant Classification Sherloc (09022015). Collection method: clinical testing. Allele origin: germline.
Comment: This sequence change affects codon 1172 of the AGRN mRNA. It is a 'silent' change, meaning that it does not change the encoded amino acid sequence of the AGRN protein. It affects a nucleotide within the consensus splice site. This variant is present in population databases (rs543142635, gnomAD 0.03%). This variant has not been reported in the literature in individuals affected with AGRN-related conditions. ClinVar contains an entry for this variant (Variation ID: 1476033). Algorithms developed to predict the effect of sequence changes on RNA splicing suggest that this variant is not likely to affect RNA splicing. In summary, the available evidence is currently insufficient to determine the role of this variant in disease. Therefore, it has been classified as a Variant of Uncertain Significance.

NM_198576.4(AGRN):c.3516C>T (p.Thr1172=)

Gene: AGRN (agrin; plus strand). Cytogenetic location: 1p36.33.
Variant type: single nucleotide variant.
Coding change: c.3516C>T on transcript NM_198576.4 (MANE Select); coding-DNA position 3516, C replaced by T.
Protein change: p.Thr1172=; no amino-acid change (threonine 1172 retained).
Molecular consequence: synonymous variant.
Genome position (GRCh38, 1-based): chr1:1,047,454, C>T. VCF-style: chr1-1047454-C-T. GRCh37 (hg19) VCF-style: chr1-982834-C-T.
Other names: c.3516C>T, p.Thr1172= (NM_001305275.2); c.3201C>T, p.Thr1067= (NM_001364727.2).
Identifiers: ClinVar variation 1476033 (VCV001476033.4), dbSNP rs543142635, ClinGen allele CA509089.